The following is an entry in ClinVar:

ClinVar aggregate classification (germline): Uncertain significance (1 of 4 stars; one submission).

Conditions:
Oculodentodigital dysplasia, autosomal recessive. Also called: OCULODENTOOSSEOUS DYSPLASIA, AUTOSOMAL RECESSIVE; ODDD, AUTOSOMAL RECESSIVE; ODOD, AUTOSOMAL RECESSIVE. Identifiers: Orphanet 2710, MedGen C2749477, MONDO:0009768, OMIM 257850.

Allele frequency attached by ClinVar (database versions not stated): ExAC 0.00002.

Submission:

Labcorp Genetics (formerly Invitae), Labcorp
Classification: Uncertain significance for Oculodentodigital dysplasia, autosomal recessive. Last evaluated: 2023-12-27. Review status: criteria provided, single submitter. Criteria: Invitae Variant Classification Sherloc (09022015). Collection method: clinical testing. Allele origin: germline.
Comment: This sequence change replaces proline, which is neutral and non-polar, with threonine, which is neutral and polar, at codon 246 of the GJA1 protein (p.Pro246Thr). This variant is present in population databases (rs754942819, gnomAD 0.003%). This variant has not been reported in the literature in individuals affected with GJA1-related conditions. Advanced modeling of protein sequence and biophysical properties (such as structural, functional, and spatial information, amino acid conservation, physicochemical variation, residue mobility, and thermodynamic stability) performed at Invitae indicates that this missense variant is not expected to disrupt GJA1 protein function with a negative predictive value of 80%. In summary, the available evidence is currently insufficient to determine the role of this variant in disease. Therefore, it has been classified as a Variant of Uncertain Significance.

NM_000165.5(GJA1):c.736C>A (p.Pro246Thr)

Gene: GJA1 (gap junction protein alpha 1; plus strand). Cytogenetic location: 6q22.31.
Variant type: single nucleotide variant.
Coding change: c.736C>A on transcript NM_000165.5 (MANE Select); coding-DNA position 736, C replaced by A.
Protein change: p.Pro246Thr; replaces proline 246 with threonine.
Molecular consequence: missense variant.
Genome position (GRCh38, 1-based): chr6:121,447,583, C>A. VCF-style: chr6-121447583-C-A. GRCh37 (hg19) VCF-style: chr6-121768729-C-A.
Other names: short protein forms P246T.
Identifiers: ClinVar variation 2837241 (VCV002837241.3), dbSNP rs754942819, ClinGen allele CA3981736.